The following is an entry in ClinVar:

NM_000918.4(P4HB):c.689A>G (p.Lys230Arg)

Gene: P4HB (prolyl 4-hydroxylase subunit beta; minus strand). Cytogenetic location: 17q25.3.
Variant type: single nucleotide variant.
Coding change: c.689A>G on transcript NM_000918.4 (MANE Select); coding-DNA position 689, A replaced by G.
Protein change: p.Lys230Arg; replaces lysine 230 with arginine.
Molecular consequence: missense variant.
Genome position (GRCh38, 1-based): chr17:81,847,283, T>C on the plus strand (A>G on the coding strand, the complement: P4HB is on the minus strand). VCF-style: chr17-81847283-T-C. GRCh37 (hg19) VCF-style: chr17-79805159-T-C.
Other names: c.689A>G (NM_000918.3); short protein forms K230R.
Identifiers: ClinVar variation 1507009 (VCV001507009.7), dbSNP rs773105281, ClinGen allele CA8842886.

ClinVar aggregate classification (germline): Uncertain significance. Review status: criteria provided, multiple submitters, no conflicts (2 of 4 stars). 2 submissions from 2 submitters: Uncertain significance (2). Last evaluated 2025-05-18.

Conditions:
Inborn genetic diseases. Identifiers: MedGen C0950123, MeSH D030342.

Allele frequency attached by ClinVar (database versions not stated): ExAC 0.00001; gnomAD 0.00001; gnomAD exomes 0.00001.
gnomAD v4.1: 14 of 1,613,966 alleles (0.00087%); highest among the groups gnomAD compares: South Asian, 0.0033%; no homozygotes.

Submissions (2):

Ambry Genetics
Classification: Uncertain significance for Inborn genetic diseases. Last evaluated: 2025-05-18. Review status: criteria provided, single submitter. Criteria: Ambry Variant Classification Scheme 2023. Collection method: clinical testing. Allele origin: germline.

Labcorp Genetics (formerly Invitae), Labcorp
Classification: Uncertain significance. Last evaluated: 2023-07-23. Review status: criteria provided, single submitter. Criteria: Invitae Variant Classification Sherloc (09022015). Collection method: clinical testing. Allele origin: germline.
Comment: ClinVar contains an entry for this variant (Variation ID: 1507009). This sequence change replaces lysine, which is basic and polar, with arginine, which is basic and polar, at codon 230 of the P4HB protein (p.Lys230Arg). This variant is present in population databases (rs773105281, gnomAD 0.004%). This variant has not been reported in the literature in individuals affected with P4HB-related conditions. Advanced modeling of protein sequence and biophysical properties (such as structural, functional, and spatial information, amino acid conservation, physicochemical variation, residue mobility, and thermodynamic stability) performed at Invitae indicates that this missense variant is not expected to disrupt P4HB protein function. In summary, the available evidence is currently insufficient to determine the role of this variant in disease. Therefore, it has been classified as a Variant of Uncertain Significance.